The following is an entry in ClinVar:

NM_001378615.1(CC2D2A):c.717+4T>G

Genes: CC2D2A (coiled-coil and C2 domain containing 2A; plus strand), FBXL5 (F-box and leucine rich repeat protein 5; minus strand). Cytogenetic location: 4p15.32.
Variant type: single nucleotide variant.
Coding change: c.717+4T>G on transcript NM_001378615.1 (MANE Select); 4 bases into the intron after coding-DNA position 717, T replaced by G.
Molecular consequence: intron variant.
Genome position (GRCh38, 1-based): chr4:15,511,427, T>G. VCF-style: chr4-15511427-T-G. GRCh37 (hg19) VCF-style: chr4-15513050-T-G.
Other names: c.717+4T>G (NM_001080522.2); c.570+4T>G (NM_001378617.1).
Identifiers: ClinVar variation 3033926 (VCV003033926.2), dbSNP rs2474912517, ClinGen allele CA2740091213.

ClinVar aggregate classification (germline): Likely benign (0 of 4 stars; one submission).

Conditions:
CC2D2A-related disorder. Also called: CC2D2A-related condition; CC2D2A-related disorders. Identifiers: MedGen CN239313.

Submission:

PreventionGenetics, part of Exact Sciences
Classification: Likely benign for CC2D2A-related condition. Last evaluated: 2019-06-17. Review status: no assertion criteria provided. Collection method: clinical testing. Allele origin: germline.
Comment: This variant is classified as likely benign based on ACMG/AMP sequence variant interpretation guidelines (Richards et al. 2015 PMID: 25741868, with internal and published modifications).